The following is an entry in ClinVar:

NM_004453.4(ETFDH):c.1823G>A (p.Gly608Asp)

Gene: ETFDH (electron transfer flavoprotein dehydrogenase; plus strand). Cytogenetic location: 4q32.1.
Variant type: single nucleotide variant.
Coding change: c.1823G>A on transcript NM_004453.4 (MANE Select); coding-DNA position 1823, G replaced by A.
Protein change: p.Gly608Asp; replaces glycine 608 with aspartic acid.
Molecular consequence: missense variant.
Genome position (GRCh38, 1-based): chr4:158,708,496, G>A. VCF-style: chr4-158708496-G-A. GRCh37 (hg19) VCF-style: chr4-159629648-G-A.
Other names: c.1682G>A, p.Gly561Asp (NM_001281737.2); c.1640G>A, p.Gly547Asp (NM_001281738.1); short protein forms G547D, G561D, G608D.
Identifiers: ClinVar variation 1020436 (VCV001020436.6), dbSNP rs1303489545, ClinGen allele CA358566935.

ClinVar aggregate classification (germline): Uncertain significance (1 of 4 stars; one submission).

Conditions:
Multiple acyl-CoA dehydrogenase deficiency (MADD). Also called: ETHYLMALONIC-ADIPICACIDURIA; GA II; Glutaric acidemia type II; GA 2; Glutaric aciduria, type 2; Glutaric Acidemia type 2. Identifiers: Orphanet 26791, MedGen C0268596, MONDO:0009282, OMIM 231680.

Allele frequency attached by ClinVar (database versions not stated): TOPMed below 0.00001; gnomAD 0.00001; gnomAD exomes 0.00001.
gnomAD v4.1: 8 of 1,613,626 alleles (0.0005%); highest among the groups gnomAD compares: East Asian, 0.011%; no homozygotes.

Submission:

Labcorp Genetics (formerly Invitae), Labcorp
Classification: Uncertain significance for Multiple acyl-CoA dehydrogenase deficiency. Last evaluated: 2021-08-27. Review status: criteria provided, single submitter. Criteria: Invitae Variant Classification Sherloc (09022015). Collection method: clinical testing. Allele origin: germline.
Comment: This sequence change replaces glycine with aspartic acid at codon 608 of the ETFDH protein (p.Gly608Asp). The glycine residue is highly conserved and there is a moderate physicochemical difference between glycine and aspartic acid. This variant is not present in population databases (ExAC no frequency). This variant has not been reported in the literature in individuals affected with ETFDH-related conditions. Algorithms developed to predict the effect of missense changes on protein structure and function are either unavailable or do not agree on the potential impact of this missense change (SIFT: "Deleterious"; PolyPhen-2: "Possibly Damaging"; Align-GVGD: "Class C0"). In summary, the available evidence is currently insufficient to determine the role of this variant in disease. Therefore, it has been classified as a Variant of Uncertain Significance.